The following is an entry in ClinVar:

ClinVar aggregate classification (germline): Uncertain significance. Review status: criteria provided, multiple submitters, no conflicts (2 of 4 stars). 3 submissions from 3 submitters: Uncertain significance (2). 1 of the submissions does not count toward it. Last evaluated 2025-11-16.

Conditions:
Sialuria. Also called: Sialic Acid Storage Disease; SIALURIA, FRENCH TYPE. Identifiers: Orphanet 3166, MedGen C0342853, MONDO:0010028, OMIM 269921.
GNE myopathy (NM). Also called: Inclusion body myopathy autosomal recessive; Inclusion body myopathy quadriceps sparing; IBM 2; MYOPATHY, DISTAL, WITH OR WITHOUT RIMMED VACUOLES; NONAKA DISTAL MYOPATHY; INCLUSION BODY MYOPATHY, HEREDITARY, AUTOSOMAL RECESSIVE. Identifiers: Orphanet 602, MedGen C1853926, MONDO:0011603, OMIM 605820.

Allele frequency attached by ClinVar (database versions not stated): gnomAD 0.00001; gnomAD exomes 0.00001 and 0.00002; TOPMed 0.00001.
gnomAD v4.1: 26 of 1,610,226 alleles (0.0016%); highest among the groups gnomAD compares: Non-Finnish European, 0.0022%; no homozygotes.

Submissions (3):

Labcorp Genetics (formerly Invitae), Labcorp
Classification: Uncertain significance for Sialuria; GNE myopathy. Last evaluated: 2025-11-16. Review status: criteria provided, single submitter. Criteria: Invitae Variant Classification Sherloc (09022015). Collection method: clinical testing. Allele origin: germline.
Comment: This sequence change replaces glutamic acid, which is acidic and polar, with lysine, which is basic and polar, at codon 474 of the GNE protein (p.Glu474Lys). This variant is present in population databases (no rsID available, gnomAD 0.002%). This variant has not been reported in the literature in individuals affected with GNE-related conditions. ClinVar contains an entry for this variant (Variation ID: 582461). Invitae Evidence Modeling of protein sequence and biophysical properties (such as structural, functional, and spatial information, amino acid conservation, physicochemical variation, residue mobility, and thermodynamic stability) has been performed for this missense variant. However, the output from this modeling did not meet the statistical confidence thresholds required to predict the impact of this variant on GNE protein function. In summary, the available evidence is currently insufficient to determine the role of this variant in disease. Therefore, it has been classified as a Variant of Uncertain Significance.

Blueprint Genetics
Classification: Uncertain significance. Last evaluated: 2024-09-25. Review status: criteria provided, single submitter. Criteria: ACMG Guidelines, 2015. Collection method: clinical testing. Allele origin: germline.

Natera, Inc.
Classification: Uncertain significance for Nonaka myopathy. Last evaluated: 2020-01-08. Review status: no assertion criteria provided. Collection method: clinical testing. Allele origin: germline. Not counted in ClinVar's aggregate classification.

NM_005476.7(GNE):c.1327G>A (p.Glu443Lys)

Gene: GNE (glucosamine (UDP-N-acetyl)-2-epimerase/N-acetylmannosamine kinase; minus strand). Cytogenetic location: 9p13.3.
Variant type: single nucleotide variant.
Coding change: c.1327G>A on transcript NM_005476.7 (MANE Select); coding-DNA position 1327, G replaced by A.
Protein change: p.Glu443Lys; replaces glutamic acid 443 with lysine.
Molecular consequence: missense variant.
Genome position (GRCh38, 1-based): chr9:36,223,457, C>T on the plus strand (G>A on the coding strand, the complement: GNE is on the minus strand). VCF-style: chr9-36223457-C-T. GRCh37 (hg19) VCF-style: chr9-36223454-C-T.
Other names: c.1420G>A, p.Glu474Lys (NM_001128227.3); c.1327G>A, p.Glu443Lys (NM_001190383.3); c.997G>A, p.Glu333Lys (NM_001190384.3); c.1150G>A, p.Glu384Lys (NM_001190388.2, NM_001374798.1); c.1174G>A, p.Glu392Lys (NM_001374797.1); short protein forms E443K, E474K, E333K, E384K, E392K.
Identifiers: ClinVar variation 582461 (VCV000582461.8), dbSNP rs1337925138, ClinGen allele CA373427440.